The following is an entry in ClinVar:

ClinVar aggregate classification (germline): Uncertain significance (1 of 4 stars; one submission).

Submission:

Women's Health and Genetics/Laboratory Corporation of America, LabCorp
Classification: Uncertain significance. Last evaluated: 2024-05-21. Review status: criteria provided, single submitter. Criteria: LabCorp Variant Classification Summary - May 2015. Collection method: clinical testing. Allele origin: germline.
Comment: Variant summary: AGXT c.1093G>A (p.Gly365Ser) results in a non-conservative amino acid change in the encoded protein sequence. Five of five in-silico tools predict a damaging effect of the variant on protein function. The variant was absent in 185852 control chromosomes. The available data on variant occurrences in the general population are insufficient to allow any conclusion about variant significance. To our knowledge, no occurrence of c.1093G>A in individuals affected with Primary Hyperoxaluria Type 1 and no experimental evidence demonstrating its impact on protein function have been reported. No submitters have cited clinical-significance assessments for this variant to ClinVar. Based on the evidence outlined above, the variant was classified as uncertain significance.

NM_000030.3(AGXT):c.1093G>A (p.Gly365Ser)

Gene: AGXT (alanine--glyoxylate aminotransferase; plus strand). Cytogenetic location: 2q37.3.
Variant type: single nucleotide variant.
Coding change: c.1093G>A on transcript NM_000030.3 (MANE Select); coding-DNA position 1093, G replaced by A.
Protein change: p.Gly365Ser; replaces glycine 365 with serine.
Molecular consequence: missense variant.
Genome position (GRCh38, 1-based): chr2:240,878,735, G>A. VCF-style: chr2-240878735-G-A. GRCh37 (hg19) VCF-style: chr2-241818152-G-A.
Other names: short protein forms G365S.
Identifiers: ClinVar variation 3336461 (VCV003336461.1).